The following is an entry in ClinVar:

NM_020937.4(FANCM):c.5554G>A (p.Gly1852Ser)

Gene: FANCM (FA complementation group M; plus strand). Cytogenetic location: 14q21.2.
Variant type: single nucleotide variant.
Coding change: c.5554G>A on transcript NM_020937.4 (MANE Select); coding-DNA position 5554, G replaced by A.
Protein change: p.Gly1852Ser; replaces glycine 1852 with serine.
Molecular consequence: missense variant.
Genome position (GRCh38, 1-based): chr14:45,196,385, G>A. VCF-style: chr14-45196385-G-A. GRCh37 (hg19) VCF-style: chr14-45665588-G-A.
Other names: c.5476G>A, p.Gly1826Ser (NM_001308133.2); short protein forms G1852S, G1826S.
Identifiers: ClinVar variation 4254518 (VCV004254518.1).

ClinVar aggregate classification (germline): Uncertain significance (1 of 4 stars; one submission).

Conditions:
Inborn genetic diseases. Identifiers: MedGen C0950123, MeSH D030342.

gnomAD v4.1: 1 of 1,613,972 alleles (0.000062%); highest among the groups gnomAD compares: Non-Finnish European, 0.000085%; no homozygotes.

Submission:

Ambry Genetics
Classification: Uncertain significance for Inborn genetic diseases. Last evaluated: 2025-06-15. Review status: criteria provided, single submitter. Criteria: Ambry Variant Classification Scheme 2023. Collection method: clinical testing. Allele origin: germline.
Comment: The p.G1852S variant (also known as c.5554G>A), located in coding exon 21 of the FANCM gene, results from a G to A substitution at nucleotide position 5554. The glycine at codon 1852 is replaced by serine, an amino acid with similar properties. This amino acid position is conserved. In addition, this alteration is predicted to be tolerated by in silico analysis. Based on the available evidence, the clinical significance of this variant remains unclear.